The following is an entry in ClinVar:

ClinVar aggregate classification (germline): Uncertain significance. Review status: criteria provided, multiple submitters, no conflicts (2 of 4 stars). 2 submissions from 2 submitters: Uncertain significance (2). Last evaluated 2024-04-02.

Allele frequency attached by ClinVar (database versions not stated): gnomAD exomes 0.00001; ExAC 0.00002; TOPMed 0.00002.
gnomAD v4.1: 15 of 1,588,382 alleles (0.00094%); highest among the groups gnomAD compares: Admixed American, 0.0033%; no homozygotes.

Submissions (2):

Blueprint Genetics
Classification: Uncertain significance. Last evaluated: 2024-04-02. Review status: criteria provided, single submitter. Criteria: ACMG Guidelines, 2015. Collection method: clinical testing. Allele origin: germline.

Labcorp Genetics (formerly Invitae), Labcorp
Classification: Uncertain significance. Last evaluated: 2022-07-12. Review status: criteria provided, single submitter. Criteria: Invitae Variant Classification Sherloc (09022015). Collection method: clinical testing. Allele origin: germline.
Comment: Algorithms developed to predict the effect of sequence changes on RNA splicing suggest that this variant may disrupt the consensus splice site. In summary, the available evidence is currently insufficient to determine the role of this variant in disease. Therefore, it has been classified as a Variant of Uncertain Significance. Algorithms developed to predict the effect of missense changes on protein structure and function output the following: SIFT: "Tolerated"; PolyPhen-2: "Benign"; Align-GVGD: "Class C0". The histidine amino acid residue is found in multiple mammalian species, which suggests that this missense change does not adversely affect protein function. ClinVar contains an entry for this variant (Variation ID: 1511389). This variant has not been reported in the literature in individuals affected with IMPG2-related conditions. This variant is present in population databases (rs755792948, gnomAD 0.003%). This sequence change replaces arginine, which is basic and polar, with histidine, which is basic and polar, at codon 291 of the IMPG2 protein (p.Arg291His).

NM_016247.4(IMPG2):c.872G>A (p.Arg291His)

Gene: IMPG2 (interphotoreceptor matrix proteoglycan 2; minus strand). Cytogenetic location: 3q12.3.
Variant type: single nucleotide variant.
Coding change: c.872G>A on transcript NM_016247.4 (MANE Select); coding-DNA position 872, G replaced by A.
Protein change: p.Arg291His; replaces arginine 291 with histidine.
Molecular consequence: missense variant.
Genome position (GRCh38, 1-based): chr3:101,269,530, C>T on the plus strand (G>A on the coding strand, the complement: IMPG2 is on the minus strand). VCF-style: chr3-101269530-C-T. GRCh37 (hg19) VCF-style: chr3-100988374-C-T.
Other names: short protein forms R291H.
Identifiers: ClinVar variation 1511389 (VCV001511389.7), dbSNP rs755792948, ClinGen allele CA2519345.